The following is an entry in ClinVar:

NM_004360.5(CDH1):c.1081_1082delinsCA (p.Ala361His)

Gene: CDH1 (cadherin 1; plus strand). Cytogenetic location: 16q22.1.
Variant type: Indel.
Coding change: c.1081_1082delinsCA on transcript NM_004360.5 (MANE Select); coding-DNA positions 1081 to 1082, GC replaced by CA.
Protein change: p.Ala361His; replaces alanine 361 with histidine.
Molecular consequence: missense variant. On other transcripts: 5 prime UTR variant (2).
Genome position (GRCh38, 1-based): chr16:68,812,207-68,812,208, GC replaced by CA. VCF-style: chr16-68812207-GC-CA. GRCh37 (hg19) VCF-style: chr16-68846110-GC-CA.
Other names: c.1081_1082delinsCA, p.Ala361His (NM_001317184.2); c.-535_-534delinsCA (NM_001317185.2); c.-739_-738delinsCA (NM_001317186.2); short protein forms A361H.
Identifiers: ClinVar variation 1720033 (VCV001720033.6), dbSNP rs2543924323, ClinGen allele CA2580091871.

ClinVar aggregate classification (germline): Uncertain significance (1 of 4 stars; one submission).

Conditions:
Hereditary diffuse gastric adenocarcinoma (HDGC). Also called: DIFFUSE GASTRIC AND LOBULAR BREAST CANCER SYNDROME. Identifiers: Orphanet 26106, MedGen C1708349, MONDO:0007648, OMIM 137215.

Submission:

Labcorp Genetics (formerly Invitae), Labcorp
Classification: Uncertain significance for Hereditary diffuse gastric adenocarcinoma. Last evaluated: 2022-09-22. Review status: criteria provided, single submitter. Criteria: Invitae Variant Classification Sherloc (09022015). Collection method: clinical testing. Allele origin: germline.
Comment: This sequence change replaces alanine, which is neutral and non-polar, with histidine, which is basic and polar, at codon 361 of the CDH1 protein (p.Ala361His). Algorithms developed to predict the effect of missense changes on protein structure and function are either unavailable or do not agree on the potential impact of this missense change (SIFT: "Not Available"; PolyPhen-2: "Probably Damaging"; Align-GVGD: "Not Available"). In summary, the available evidence is currently insufficient to determine the role of this variant in disease. Therefore, it has been classified as a Variant of Uncertain Significance. This variant has not been reported in the literature in individuals affected with CDH1-related conditions. Information on the frequency of this variant in the gnomAD database is not available, as this variant may be reported differently in the database.